The following is an entry in ClinVar:

NM_000020.3(ACVRL1):c.1348A>G (p.Thr450Ala)

Gene: ACVRL1 (activin A receptor like type 1; plus strand). Cytogenetic location: 12q13.13.
Variant type: single nucleotide variant.
Coding change: c.1348A>G on transcript NM_000020.3 (MANE Select); coding-DNA position 1348, A replaced by G.
Protein change: p.Thr450Ala; replaces threonine 450 with alanine.
Molecular consequence: missense variant.
Genome position (GRCh38, 1-based): chr12:51,919,086, A>G. VCF-style: chr12-51919086-A-G. GRCh37 (hg19) VCF-style: chr12-52312870-A-G.
Other names: NM_000020.3(ACVRL1):c.1348A>G; p.Thr450Ala; c.1348A>G, p.Thr450Ala (NM_001077401.2); short protein forms T450A.
Identifiers: ClinVar variation 373609 (VCV000373609.37), dbSNP rs146206499, ClinGen allele CA6573123.

ClinVar aggregate classification (germline): Likely benign. Review status: reviewed by expert panel (3 of 4 stars). 9 submissions from 9 submitters: Likely benign (1). 8 of the submissions do not count toward it. Last evaluated 2024-03-15.

Conditions:
Cardiovascular phenotype. Identifiers: MedGen CN230736.
Telangiectasia, hereditary hemorrhagic, type 2 (HHT2). Also called: Telangiectasia, hereditary hemorrhagic, type II; ACVRL1-Related Hereditary Hemorrhagic Telangiectasia. Identifiers: Orphanet 774, MedGen C1838163, MONDO:0010880, OMIM 600376. Disease mechanism: loss of function.
ACVRL1-related disorder. Also called: ACVRL1-related condition; ACVRL1-related disorders.

Allele frequency attached by ClinVar (database versions not stated): ExAC 0.00030; gnomAD 0.00031; TOPMed 0.00033; gnomAD exomes 0.00039; ESP Exome Variant Server 0.00046.
gnomAD v4.1: 465 of 1,613,694 alleles (0.029%); highest among the groups gnomAD compares: Middle Eastern, 0.26%; 1 homozygote.

Submissions (9):

ClinGen Hereditary Hemorrhagic Telangiectasia Variant Curation Expert Panel, ClinGen
Classification: Likely benign for Telangiectasia, hereditary hemorrhagic, type 2. Last evaluated: 2024-03-15. Review status: reviewed by expert panel. Criteria: ClinGen HHT ACMG Specifications ACVRL1 V1.1.0. Collection method: curation. Allele origin: germline. Inheritance: Autosomal dominant inheritance.
Comment: The NM_000020.3: c.1348A>G variant in ACVRL1 is a missense variant predicted to cause substitution of threonine by alanine at amino acid 450 (p.Thr450Ala). The filtering allele frequency (the lower threshold of the 95% CI of 53/10366) of the c.1348A>G variant in ACVRL1 is 0.004015 for Ashkenazi Jewish chromosomes by gnomAD v2.1.1, which is higher than the ClinGen HHT VCEP threshold (>0.002) for BS1, and therefore meets this criterion (BS1). The computational predictor REVEL gives a score of 0.245, which is neither above nor below the thresholds predicting a damaging or benign impact on ACVRL1 function. In summary, this variant meets the criteria to be classified as likely benign for autosomal dominant hereditary hemorrhagic telangiectasia based on the ACMG/AMP criteria applied, as specified by the ClinGen Hereditary Hemorrhagic Telangiectasia Variant Curation Expert Panel: BS1 (specification version 1.0.0; 1/4/2024).

CeGaT Center for Human Genetics Tuebingen
Classification: Likely benign. Last evaluated: 2026-06-01. Review status: criteria provided, single submitter. Criteria: CeGaT Center For Human Genetics Tuebingen Variant Classification Criteria Version 2. Collection method: clinical testing. Allele origin: germline. Affected: yes. Observed: 3 variant alleles. Not counted in ClinVar's aggregate classification.
Comment: ACVRL1: BP4

Labcorp Genetics (formerly Invitae), Labcorp
Classification: Benign for Telangiectasia, hereditary hemorrhagic, type 2. Last evaluated: 2026-01-25. Review status: criteria provided, single submitter. Criteria: Invitae Variant Classification Sherloc (09022015). Collection method: clinical testing. Allele origin: germline. Not counted in ClinVar's aggregate classification.

Laboratory of Genetics, Children's Clinical University Hospital Latvia
Classification: Likely benign. Last evaluated: 2025-02-16. Review status: criteria provided, single submitter. Criteria: ACMG Guidelines, 2015. Collection method: clinical testing. Allele origin: germline. Affected: yes. Not counted in ClinVar's aggregate classification.

Blueprint Genetics
Classification: Likely benign. Last evaluated: 2024-07-09. Review status: criteria provided, single submitter. Criteria: ACMG Guidelines, 2015. Collection method: clinical testing. Allele origin: germline. Not counted in ClinVar's aggregate classification.

Ambry Genetics
Classification: Likely benign for Cardiovascular phenotype. Last evaluated: 2020-11-20. Review status: criteria provided, single submitter. Criteria: Ambry Variant Classification Scheme 2023. Collection method: clinical testing. Allele origin: germline. Not counted in ClinVar's aggregate classification.

Illumina Laboratory Services, Illumina
Classification: Likely benign for Telangiectasia, hereditary hemorrhagic, type 2. Last evaluated: 2018-01-12. Review status: criteria provided, single submitter. Criteria: ICSL Variant Classification Criteria 13 December 2019. Collection method: clinical testing. Allele origin: germline. Not counted in ClinVar's aggregate classification.
Comment: This variant was observed in the ICSL laboratory as part of a predisposition screen in an ostensibly healthy population. It had not been previously curated by ICSL or reported in the Human Gene Mutation Database (HGMD: prior to June 1st, 2018), and was therefore a candidate for classification through an automated scoring system. Utilizing variant allele frequency, disease prevalence and penetrance estimates, and inheritance mode, an automated score was calculated to assess if this variant is too frequent to cause the disease. Based on the score and internal cut-off values, a variant classified as likely benign is not then subjected to further curation. The score for this variant resulted in a classification of likely benign for this disease.

GeneDx
Classification: Uncertain significance. Last evaluated: 2016-11-29. Review status: criteria provided, single submitter. Criteria: GeneDx Variant Classification (06012015). Collection method: clinical testing. Allele origin: germline. Affected: yes. Not counted in ClinVar's aggregate classification.
Comment: A variant of uncertain significance has been identified in the ACVRL1 gene. The T450A variant has not been published as a pathogenic variant, nor has it been reported as a benign variant to our knowledge. The T450A variant is a non-conservative amino acid substitution, which is likely to impact secondary protein structure as these residues differ in polarity, charge, size and/or other properties. This substitution occurs at a position where only amino acids with similar properties to Threonine are tolerated across species. However, in silico analysis is inconsistent in its predictions as to whether or not the variant is damaging to the protein structure/function. Furthermore, the Exome Aggregation Consortium (ExAC) reports T450A was observed in 30/66,722 (0.05%) alleles from individuals of Non-Finnish European background.Therefore, based on the currently available information, it is unclear whether this variant is pathogenic or benign.

PreventionGenetics, part of Exact Sciences
Classification: Likely benign for ACVRL1-related condition. Last evaluated: 2021-02-23. Review status: no assertion criteria provided. Collection method: clinical testing. Allele origin: germline. Not counted in ClinVar's aggregate classification.
Comment: This variant is classified as likely benign based on ACMG/AMP sequence variant interpretation guidelines (Richards et al. 2015 PMID: 25741868, with internal and published modifications).